The following is an entry in ClinVar:

ClinVar aggregate classification (germline): Pathogenic. Review status: criteria provided, multiple submitters, no conflicts (2 of 4 stars). 4 submissions from 4 submitters: Pathogenic (4). Last evaluated 2025-02-04.

Conditions:
OCRL-related disorder. Also called: OCRL-related condition.
Lowe syndrome (OCRL). Also called: PHOSPHATIDYLINOSITOL 4,5-BISPHOSPHATE 5-PHOSPHATASE DEFICIENCY; LOWE OCULOCEREBRORENAL SYNDROME; Oculocerebrorenal Syndrome. Identifiers: Orphanet 534, MedGen C0028860, MONDO:0010645, OMIM 309000.

Submissions (4):

Labcorp Genetics (formerly Invitae), Labcorp
Classification: Pathogenic for Lowe syndrome. Last evaluated: 2025-02-04. Review status: criteria provided, single submitter. Criteria: Invitae Variant Classification Sherloc (09022015). Collection method: clinical testing. Allele origin: germline.
Comment: This sequence change creates a premature translational stop signal (p.Arg663*) in the OCRL gene. It is expected to result in an absent or disrupted protein product. Loss-of-function variants in OCRL are known to be pathogenic (PMID: 19390221, 21031565, 22381590). This variant is not present in population databases (gnomAD no frequency). This premature translational stop signal has been observed in individual(s) with Lowe syndrome (PMID: 9199559). This variant is also known as c.2164C>T (p.R646X). ClinVar contains an entry for this variant (Variation ID: 1687290). For these reasons, this variant has been classified as Pathogenic.

GeneDx
Classification: Pathogenic. Last evaluated: 2024-09-04. Review status: criteria provided, single submitter. Criteria: GeneDx Variant Classification Process June 2021. Collection method: clinical testing. Allele origin: germline. Affected: yes.
Comment: Nonsense variant predicted to result in protein truncation or nonsense mediated decay in a gene for which loss of function is a known mechanism of disease; Not observed at significant frequency in large population cohorts (gnomAD); This variant is associated with the following publications: (PMID: 25525159, 22381590, 21031565, 19390221, 35803701, 35919034, 9199559)

Blueprint Genetics
Classification: Pathogenic for OCRL-related disorders. Last evaluated: 2022-06-14. Review status: criteria provided, single submitter. Criteria: ACMG Guidelines, 2015. Collection method: clinical testing. Allele origin: germline. Affected: yes. Observed: 3 variant alleles.

3billion
Classification: Pathogenic for Lowe syndrome. Last evaluated: 2022-05-22. Review status: criteria provided, single submitter. Criteria: ACMG Guidelines, 2015. Collection method: clinical testing. Allele origin: germline. Affected: yes. Observed: 1 hemizygote.
Comment: The variant is not observed in the gnomAD v2.1.1 dataset. Stop-gained (nonsense): predicted to result in a loss or disruption of normal protein function through nonsense-mediated decay (NMD) or protein truncation. Multiple pathogenic variants are reported downstream of the variant. The variant has been reported to be associated with OCRL related disorder (PMID: 9199559). Therefore, this variant is classified as pathogenic according to the recommendation of ACMG/AMP guideline.

Literature cited by the submitters: PubMed 19390221 (cited by Labcorp Genetics (formerly Invitae), Labcorp); PubMed 21031565 (cited by Labcorp Genetics (formerly Invitae), Labcorp); PubMed 22381590 (cited by Labcorp Genetics (formerly Invitae), Labcorp); PubMed 9199559 (cited by Labcorp Genetics (formerly Invitae), Labcorp and 3billion).

NM_000276.4(OCRL):c.1987C>T (p.Arg663Ter)

Gene: OCRL (OCRL inositol polyphosphate-5-phosphatase; plus strand). Cytogenetic location: Xq26.1.
Variant type: single nucleotide variant.
Coding change: c.1987C>T on transcript NM_000276.4 (MANE Select); coding-DNA position 1987, C replaced by T.
Protein change: p.Arg663Ter; replaces arginine 663 with a stop codon.
Molecular consequence: nonsense.
Genome position (GRCh38, 1-based): chrX:129,576,424, C>T. VCF-style: chrX-129576424-C-T. GRCh37 (hg19) VCF-style: chrX-128710401-C-T.
Other names: c.1987C>T (NM_000276.3); c.1990C>T, p.Arg664Ter (NM_001318784.2); c.1987C>T, p.Arg663Ter (NM_001587.4); short protein forms R663*, R664*.
Identifiers: ClinVar variation 1687290 (VCV001687290.8), dbSNP rs2124419015, ClinGen allele CA414621207.
Genomic context (GRCh38, chrX:129,576,424, plus strand): 5'-GTAACCATCCTGAACTCGGGAGAAGATAAGATTGAAGATATTCTCGTCCTTCACCTGGAT[C>T]GAGGCAAAGATTACTTCTTGACTATCAGTGGAAATTACCTCCCAAGTTGTTTTGGCACAT-3'